The following is an entry in ClinVar:

NM_000143.4(FH):c.1196G>A (p.Ser399Asn)

Gene: FH (fumarate hydratase; minus strand). Cytogenetic location: 1q43.
Variant type: single nucleotide variant.
Coding change: c.1196G>A on transcript NM_000143.4 (MANE Select); coding-DNA position 1196, G replaced by A.
Protein change: p.Ser399Asn; replaces serine 399 with asparagine.
Molecular consequence: missense variant.
Genome position (GRCh38, 1-based): chr1:241,502,483, C>T on the plus strand (G>A on the coding strand, the complement: FH is on the minus strand). VCF-style: chr1-241502483-C-T. GRCh37 (hg19) VCF-style: chr1-241665783-C-T.
Other names: short protein forms S399N.
Identifiers: ClinVar variation 860747 (VCV000860747.9), dbSNP rs1659805662, ClinGen allele CA345437364.

ClinVar aggregate classification (germline): Pathogenic/Likely pathogenic. Review status: criteria provided, multiple submitters, no conflicts (2 of 4 stars). 2 submissions from 2 submitters: Pathogenic (1); Likely pathogenic (1). Last evaluated 2026-04-22.

Conditions:
Hereditary cancer-predisposing syndrome. Also called: Tumor predisposition; Neoplastic Syndromes, Hereditary; Hereditary neoplastic syndrome; Hereditary Cancer Syndrome. Identifiers: Orphanet 140162, MedGen C0027672, MeSH D009386, MONDO:0015356.

Allele frequency attached by ClinVar (database versions not stated): gnomAD exomes below 0.00001.

Submissions (2):

Ambry Genetics
Classification: Likely pathogenic for Hereditary cancer-predisposing syndrome. Last evaluated: 2026-04-22. Review status: criteria provided, single submitter. Criteria: Ambry Variant Classification Scheme 2023. Collection method: clinical testing. Allele origin: germline.
Comment: The p.S399N variant (also known as c.1196G>A), located in coding exon 8 of the FH gene, results from a G to A substitution at nucleotide position 1196. The serine at codon 399 is replaced by asparagine, an amino acid with highly similar properties. This variant was reported in individual(s) with features consistent with FH-related tumor predisposition (external communication). In addition, this variant has been identified in the homozygous state and/or in conjunction with other FH variant(s) in individual(s) with features consistent with fumarate hydratase deficiency (external communication). Based on internal structural analysis, this variant is more disruptive than known pathogenic variants (Ambry internal data). This amino acid position is highly conserved in available vertebrate species. In addition, the in silico prediction for this alteration is inconclusive. This variant is considered to be rare based on population cohorts in the Genome Aggregation Database (gnomAD). Based on the majority of available evidence to date, this variant is likely to be pathogenic.

Labcorp Genetics (formerly Invitae), Labcorp
Classification: Pathogenic. Last evaluated: 2025-09-25. Review status: criteria provided, single submitter. Criteria: Invitae Variant Classification Sherloc (09022015). Collection method: clinical testing. Allele origin: germline.
Comment: This sequence change replaces serine, which is neutral and polar, with asparagine, which is neutral and polar, at codon 399 of the FH protein (p.Ser399Asn). This variant is not present in population databases (gnomAD no frequency). This missense change has been observed in individual(s) with clinical features of hereditary leiomyomatosis and renal cell carcinoma and in individual(s) with fumarate hydratase deficiency (internal data). In at least one individual the data is consistent with being in trans (on the opposite chromosome) from a pathogenic variant. ClinVar contains an entry for this variant (Variation ID: 860747). Invitae Evidence Modeling of protein sequence and biophysical properties (such as structural, functional, and spatial information, amino acid conservation, physicochemical variation, residue mobility, and thermodynamic stability) indicates that this missense variant is expected to disrupt FH protein function with a positive predictive value of 95%. For these reasons, this variant has been classified as Pathogenic.